The following is an entry in ClinVar:

ClinVar aggregate classification (germline): Uncertain significance (1 of 4 stars; one submission).

gnomAD v4.1: 3 of 1,533,954 alleles (0.0002%); highest among the groups gnomAD compares: East Asian, 0.0049%; no homozygotes.

Submission:

Labcorp Genetics (formerly Invitae), Labcorp
Classification: Uncertain significance. Last evaluated: 2025-07-21. Review status: criteria provided, single submitter. Criteria: Invitae Variant Classification Sherloc (09022015). Collection method: clinical testing. Allele origin: germline.
Comment: This sequence change replaces valine, which is neutral and non-polar, with alanine, which is neutral and non-polar, at codon 149 of the HTRA1 protein (p.Val149Ala). This variant is present in population databases (rs748995373, gnomAD 0.01%). This missense change has been observed in individual(s) with clinical features of cerebral small vessel disease (PMID: 29895533). Invitae Evidence Modeling of protein sequence and biophysical properties (such as structural, functional, and spatial information, amino acid conservation, physicochemical variation, residue mobility, and thermodynamic stability) indicates that this missense variant is not expected to disrupt HTRA1 protein function with a negative predictive value of 95%. In summary, the available evidence is currently insufficient to determine the role of this variant in disease. Therefore, it has been classified as a Variant of Uncertain Significance.

Literature cited by the submitters: PubMed 29895533.

NM_002775.5(HTRA1):c.446T>C (p.Val149Ala)

Gene: HTRA1 (HtrA serine peptidase 1; plus strand). Cytogenetic location: 10q26.13.
Variant type: single nucleotide variant.
Coding change: c.446T>C on transcript NM_002775.5 (MANE Select); coding-DNA position 446, T replaced by C.
Protein change: p.Val149Ala; replaces valine 149 with alanine.
Molecular consequence: missense variant.
Genome position (GRCh38, 1-based): chr10:122,462,098, T>C. VCF-style: chr10-122462098-T-C. GRCh37 (hg19) VCF-style: chr10-124221614-T-C.
Other names: short protein forms V149A.
Identifiers: ClinVar variation 4751472 (VCV004751472.1).